The following is an entry in ClinVar:

NM_002444.3(MSN):c.170C>A (p.Thr57Asn)

Gene: MSN (moesin; plus strand). Cytogenetic location: Xq12.
Variant type: single nucleotide variant.
Coding change: c.170C>A on transcript NM_002444.3 (MANE Select); coding-DNA position 170, C replaced by A.
Protein change: p.Thr57Asn; replaces threonine 57 with asparagine.
Molecular consequence: missense variant.
Genome position (GRCh38, 1-based): chrX:65,727,887, C>A. VCF-style: chrX-65727887-C-A. GRCh37 (hg19) VCF-style: chrX-64947749-C-A.
Other names: c.173C>A, p.Thr58Asn (NM_001440778.1); short protein forms T57N, T58N.
Identifiers: ClinVar variation 4982472 (VCV004982472.1).
Genomic context (GRCh38, chrX:65,727,887, plus strand): 5'-TTGGCTTGAGGGAAGTTTGGTTCTTTGGTCTGCAGTACCAGGACACTAAAGGTTTCTCCA[C>A]CTGGCTGAAACTCAATAAGAAGGTAACTGCTTATTCCTCTGTTGGATTTAGAATTCTTTT-3'
Protein context (NP_002435.1, residues 47-67): LQYQDTKGFS[Thr57Asn]WLKLNKKVTA

ClinVar aggregate classification (germline): Uncertain significance (1 of 4 stars; one submission).

Conditions:
MSN-related disorder. Also called: MSN-related condition.

gnomAD v4.1: 1 of 1,207,686 alleles (0.000083%); highest among the groups gnomAD compares: Admixed American, 0.0022%; no homozygotes.

Submission:

PreventionGenetics, part of Exact Sciences
Classification: Uncertain significance for MSN-related condition. Last evaluated: 2026-06-25. Review status: criteria provided, single submitter. Criteria: ACMG Guidelines, 2015. Collection method: clinical testing. Allele origin: germline.
Comment: The MSN c.170C>A variant is predicted to result in the amino acid substitution p.Thr57Asn. To our knowledge, this variant has not been reported in the literature. This variant is reported in 0.0037% of alleles in individuals of Latino descent in gnomAD. At this time, the clinical significance of this variant is uncertain due to the absence of conclusive functional and genetic evidence.